The following is an entry in ClinVar:

NM_001206927.2(DNAH8):c.3413T>A (p.Val1138Glu)

Gene: DNAH8 (dynein axonemal heavy chain 8; plus strand). Cytogenetic location: 6p21.2.
Variant type: single nucleotide variant.
Coding change: c.3413T>A on transcript NM_001206927.2 (MANE Select); coding-DNA position 3413, T replaced by A.
Protein change: p.Val1138Glu; replaces valine 1138 with glutamic acid.
Molecular consequence: missense variant.
Genome position (GRCh38, 1-based): chr6:38,815,547, T>A. VCF-style: chr6-38815547-T-A. GRCh37 (hg19) VCF-style: chr6-38783323-T-A.
Other names: c.2762T>A, p.Val921Glu (NM_001371.4); short protein forms V1138E, V921E.
Identifiers: ClinVar variation 454568 (VCV000454568.9), dbSNP rs1554218874, ClinGen allele CA363989849.
Genomic context (GRCh38, chr6:38,815,547, plus strand): 5'-ATGACATTCAACAAGCCATTAACCGTATGATCCAGTTAACCCTGGAGGTCAGCAGAGGAG[T>A]GGCTCACTGGGGGCAACAGCAAATCCGTCCCATCAAGTCTGTCATTCCCAGCCCCACCAC-3'
Protein context (NP_001193856.1, residues 1128-1148): IQLTLEVSRG[Val1138Glu]AHWGQQQIRP

ClinVar aggregate classification (germline): Uncertain significance (1 of 4 stars; one submission).

Conditions:
Primary ciliary dyskinesia. Also called: Ciliary dyskinesia. Identifiers: Orphanet 244, MedGen C0008780, MONDO:0016575, HP:0012265.

Allele frequency attached by ClinVar (database versions not stated): gnomAD exomes 0.00001.
gnomAD v4.1: 12 of 1,613,920 alleles (0.00074%); highest among the groups gnomAD compares: Non-Finnish European, 0.001%; no homozygotes.

Submission:

Labcorp Genetics (formerly Invitae), Labcorp
Classification: Uncertain significance for Primary ciliary dyskinesia. Last evaluated: 2017-06-22. Review status: criteria provided, single submitter. Criteria: Invitae Variant Classification Sherloc (09022015). Collection method: clinical testing. Allele origin: germline.
Comment: In summary, the available evidence is currently insufficient to determine the role of this variant in disease. Therefore, it has been classified as a Variant of Uncertain Significance. Algorithms developed to predict the effect of missense changes on protein structure and function do not agree on the potential impact of this missense change (SIFT: "Deleterious"; PolyPhen-2: "Probably Damaging"; Align-GVGD: "Class C0"). This variant has not been reported in the literature in individuals with DNAH8-related disease. This variant is not present in population databases (ExAC no frequency). This sequence change replaces valine with glutamic acid at codon 1138 of the DNAH8 protein (p.Val1138Glu). The valine residue is highly conserved and there is a moderate physicochemical difference between valine and glutamic acid.